The following is an entry in ClinVar:

ClinVar aggregate classification (germline): Likely benign. Review status: criteria provided, multiple submitters, no conflicts (2 of 4 stars). 4 submissions from 4 submitters: Likely benign (4). Last evaluated 2026-01-19.

Conditions:
Cryopyrin associated periodic syndrome (CAPS). Identifiers: Orphanet 208650, MedGen C2316212, MONDO:0016168.

Allele frequency attached by ClinVar (database versions not stated): TOPMed 0.00002; gnomAD exomes 0.00003; gnomAD 0.00004; ExAC 0.00005; ESP Exome Variant Server 0.00008; 1000 Genomes Project 30x 0.00016; 1000 Genomes Project 0.00020.
gnomAD v4.1: 36 of 1,614,166 alleles (0.0022%); highest among the groups gnomAD compares: South Asian, 0.0066%; no homozygotes.

Submissions (4):

Labcorp Genetics (formerly Invitae), Labcorp
Classification: Likely benign for Cryopyrin associated periodic syndrome. Last evaluated: 2026-01-19. Review status: criteria provided, single submitter. Criteria: Invitae Variant Classification Sherloc (09022015). Collection method: clinical testing. Allele origin: germline.

CeGaT Center for Human Genetics Tuebingen
Classification: Likely benign. Last evaluated: 2025-04-01. Review status: criteria provided, single submitter. Criteria: CeGaT Center For Human Genetics Tuebingen Variant Classification Criteria Version 2. Collection method: clinical testing. Allele origin: germline. Affected: yes. Observed: 1 variant allele.
Comment: NLRP3: BP4, BP7

Blueprint Genetics
Classification: Likely benign. Last evaluated: 2021-09-28. Review status: criteria provided, single submitter. Criteria: ACMG Guidelines, 2015. Collection method: clinical testing. Allele origin: germline.

GeneDx
Classification: Likely benign. Last evaluated: 2017-09-29. Review status: criteria provided, single submitter. Criteria: GeneDx Variant Classification (06012015). Collection method: clinical testing. Allele origin: germline. Affected: yes.
Comment: This variant is considered likely benign or benign based on one or more of the following criteria: it is a conservative change, it occurs at a poorly conserved position in the protein, it is predicted to be benign by multiple in silico algorithms, and/or has population frequency not consistent with disease.

NM_001243133.2(NLRP3):c.1116C>T (p.Ser372=)

Gene: NLRP3 (NLR family pyrin domain containing 3; plus strand). Cytogenetic location: 1q44.
Variant type: single nucleotide variant.
Coding change: c.1116C>T on transcript NM_001243133.2 (MANE Select); coding-DNA position 1116, C replaced by T.
Protein change: p.Ser372=; no amino-acid change (serine 372 retained).
Molecular consequence: synonymous variant.
Genome position (GRCh38, 1-based): chr1:247,424,565, C>T. VCF-style: chr1-247424565-C-T. GRCh37 (hg19) VCF-style: chr1-247587867-C-T.
Other names: c.1116C>T, p.Ser372= (NM_001079821.3, NM_001127461.3, NM_001127462.3 and 1 more transcripts); c.1122C>T, p.Ser374= (NM_004895.5).
Identifiers: ClinVar variation 512398 (VCV000512398.21), dbSNP rs374056197, ClinGen allele CA1494984.